The following is an entry in ClinVar:

ClinVar aggregate classification (germline): Uncertain significance (1 of 4 stars; one submission).

Conditions:
Hereditary cancer-predisposing syndrome. Also called: Neoplastic Syndromes, Hereditary; Tumor predisposition; Hereditary neoplastic syndrome; Hereditary Cancer Syndrome. Identifiers: Orphanet 140162, MedGen C0027672, MeSH D009386, MONDO:0015356.
Cardiovascular phenotype. Identifiers: MedGen CN230736.

Submission:

Ambry Genetics
Classification: Uncertain significance for Cardiovascular phenotype; Hereditary cancer-predisposing syndrome. Last evaluated: 2024-01-14. Review status: criteria provided, single submitter. Criteria: Ambry Variant Classification Scheme 2023. Collection method: clinical testing. Allele origin: germline.
Comment: The p.D738E variant (also known as c.2214C>G), located in coding exon 18 of the LZTR1 gene, results from a C to G substitution at nucleotide position 2214. The aspartic acid at codon 738 is replaced by glutamic acid, an amino acid with highly similar properties. This amino acid position is conserved. In addition, the in silico prediction for this alteration is inconclusive. Since supporting evidence is limited at this time, the clinical significance of this alteration remains unclear.

NM_006767.4(LZTR1):c.2214C>G (p.Asp738Glu)

Gene: LZTR1 (leucine zipper like post translational regulator 1; plus strand). Cytogenetic location: 22q11.21.
Variant type: single nucleotide variant.
Coding change: c.2214C>G on transcript NM_006767.4 (MANE Select); coding-DNA position 2214, C replaced by G.
Protein change: p.Asp738Glu; replaces aspartic acid 738 with glutamic acid.
Molecular consequence: missense variant.
Genome position (GRCh38, 1-based): chr22:20,996,107, C>G. VCF-style: chr22-20996107-C-G. GRCh37 (hg19) VCF-style: chr22-21350396-C-G.
Other names: short protein forms D738E.
Identifiers: ClinVar variation 3238217 (VCV003238217.1), dbSNP rs1371629079.
Genomic context (GRCh38, chr22:20,996,107, plus strand): 5'-GGCCTTCGAGTCCATGCTGCGCTACATCTACTACGGCGAGGTCAACATGCCGCCCGAGGA[C>G]TCGCTGCATCCTCACTCCCCAGTGAACTCCCAGGTCCCCACCAAGGGGTCCTGGCACCCA-3'
Protein context (NP_006758.2, residues 728-748): YYGEVNMPPE[Asp738Glu]SLYLFAAPYY